The following is an entry in ClinVar:

NM_198578.4(LRRK2):c.5982C>T (p.Asp1994=)

Gene: LRRK2 (leucine rich repeat kinase 2; plus strand). Cytogenetic location: 12q12.
Variant type: single nucleotide variant.
Coding change: c.5982C>T on transcript NM_198578.4 (MANE Select); coding-DNA position 5982, C replaced by T.
Protein change: p.Asp1994=; no amino-acid change (aspartic acid 1994 retained).
Molecular consequence: synonymous variant.
Genome position (GRCh38, 1-based): chr12:40,340,327, C>T. VCF-style: chr12-40340327-C-T. GRCh37 (hg19) VCF-style: chr12-40734129-C-T.
Identifiers: ClinVar variation 881284 (VCV000881284.7), dbSNP rs1329710738, ClinGen allele CA479238445.

ClinVar aggregate classification (germline): Likely benign. Review status: criteria provided, multiple submitters, no conflicts (2 of 4 stars). 3 submissions from 3 submitters: Likely benign (3). Last evaluated 2025-03-29.

Conditions:
Inborn genetic diseases. Identifiers: MedGen C0950123, MeSH D030342.
Autosomal dominant Parkinson disease 8. Also called: LRRK2-Related Parkinson Disease; Parkinson disease 8; Parkinson disease 8, susceptibility to. Identifiers: Orphanet 411602, MedGen C1846862, MONDO:0011764, OMIM 607060.

Allele frequency attached by ClinVar (database versions not stated): gnomAD 0.00001; gnomAD exomes 0.00001 and 0.00002; TOPMed 0.00001.
gnomAD v4.1: 13 of 1,613,712 alleles (0.00081%); highest among the groups gnomAD compares: East Asian, 0.016%; no homozygotes.

Submissions (3):

Labcorp Genetics (formerly Invitae), Labcorp
Classification: Likely benign for Autosomal dominant Parkinson disease 8. Last evaluated: 2025-03-29. Review status: criteria provided, single submitter. Criteria: Invitae Variant Classification Sherloc (09022015). Collection method: clinical testing. Allele origin: germline.

Ambry Genetics
Classification: Likely benign for Inborn genetic diseases. Last evaluated: 2022-03-16. Review status: criteria provided, single submitter. Criteria: Ambry Variant Classification Scheme 2023. Collection method: clinical testing. Allele origin: germline.

Illumina Laboratory Services, Illumina
Classification: Likely benign for Autosomal dominant Parkinson disease 8. Last evaluated: 2017-04-27. Review status: criteria provided, single submitter. Criteria: ICSL Variant Classification Criteria 13 December 2019. Collection method: clinical testing. Allele origin: germline.
Comment: This variant was observed as part of a predisposition screen in an ostensibly healthy population. A literature search was performed for the gene, cDNA change, and amino acid change (where applicable). No publications were found based on this search. Allele frequency data from public databases allowed determination this variant is unlikely to cause disease. Therefore, this variant is classified as likely benign.